The following is an entry in ClinVar:

ClinVar aggregate classification (germline): Uncertain significance (1 of 4 stars; one submission).

Conditions:
Hereditary cancer-predisposing syndrome. Also called: Neoplastic Syndromes, Hereditary; Tumor predisposition; Hereditary neoplastic syndrome; Hereditary Cancer Syndrome. Identifiers: Orphanet 140162, MedGen C0027672, MeSH D009386, MONDO:0015356.

Submission:

Ambry Genetics
Classification: Uncertain significance for Hereditary cancer-predisposing syndrome. Last evaluated: 2024-01-10. Review status: criteria provided, single submitter. Criteria: Ambry Variant Classification Scheme 2023. Collection method: clinical testing. Allele origin: germline.
Comment: The c.547-2delA intronic variant, located in intron 4 of the POT1 gene, results from a deletion of one nucleotide within intron 4 of the POT1 gene. This nucleotide position is highly conserved in available vertebrate species. Alterations that disrupt the canonical splice site are expected to result in aberrant splicing. In silico splice site analysis predicts that this alteration will weaken the native splice acceptor site. The resulting transcript is predicted to be in-frame and is not expected to trigger nonsense-mediated mRNAdecay; however, direct evidence is insufficient at this time (Ambry internal data). The exact functional effect of the altered amino acid sequence is unknown. Since supporting evidence is limited at this time, the clinical significance of this alteration remains unclear.

NM_015450.3(POT1):c.547-2del

Gene: POT1 (protection of telomeres 1; minus strand). Cytogenetic location: 7q31.33.
Variant type: Deletion.
Coding change: c.547-2del on transcript NM_015450.3 (MANE Select); the canonical splice acceptor site of the intron before coding-DNA position 547, one base deleted (A; older notation c.547-2delA).
Molecular consequence: splice acceptor variant.
Genome position (GRCh38, 1-based): chr7:124,859,114, T deleted on the plus strand (A on the coding strand, the reverse complement: POT1 is on the minus strand). VCF-style (leftmost placement, unchanged base first): chr7-124859113-CT-C. GRCh37 (hg19) VCF-style: chr7-124499167-CT-C.
Other names: c.154-2del (NM_001042594.2).
Identifiers: ClinVar variation 3226681 (VCV003226681.1), dbSNP rs2485464447, ClinGen allele CA2825001526.
Genomic context (GRCh38, chr7:124,859,113, plus strand): 5'-AACAAGGTCTTGTATTAAGACTCTCCAAGATGGAAATGGTGTCCTGGTGCCATCCCATAC[CT>C]GCCATAAGAGAGTAGAGTAGTTTTATGATCCTTTTGAAAAAATGCTTGTGCTAAAAAGTT-3'